The following is an entry in ClinVar:

NM_000238.4(KCNH2):c.2954A>G (p.Asn985Ser)

Gene: KCNH2 (potassium voltage-gated channel subfamily H member 2; minus strand). Cytogenetic location: 7q36.1.
Variant type: single nucleotide variant.
Coding change: c.2954A>G on transcript NM_000238.4 (MANE Select); coding-DNA position 2954, A replaced by G.
Protein change: p.Asn985Ser; replaces asparagine 985 with serine.
Molecular consequence: missense variant.
Genome position (GRCh38, 1-based): chr7:150,947,617, T>C on the plus strand (A>G on the coding strand, the complement: KCNH2 is on the minus strand). VCF-style: chr7-150947617-T-C. GRCh37 (hg19) VCF-style: chr7-150644705-T-C.
Other names: c.2954A>G (LRG_288t1); c.1934A>G, p.Asn645Ser (NM_172057.3); short protein forms N645S, N985S.
Identifiers: ClinVar variation 67456 (VCV000067456.12), dbSNP rs199473541, ClinGen allele CA007690.

ClinVar aggregate classification (germline): Uncertain significance. Review status: criteria provided, multiple submitters, no conflicts (2 of 4 stars). 4 submissions from 4 submitters: Uncertain significance (3). 1 of the submissions does not count toward it. Last evaluated 2024-10-17.

Conditions:
Cardiac arrhythmia. Also called: Cardiac rhythm disease; Arrhythmia. Identifiers: MedGen C0003811, MONDO:0007263, HP:0011675.
Long QT syndrome (LQTS). Identifiers: MedGen C0023976, MeSH D008133, MONDO:0002442. Disease mechanism: loss of function. Inheritance: Various modes of inheritance.

Allele frequency attached by ClinVar (database versions not stated): gnomAD exomes below 0.00001; gnomAD 0.00001.
gnomAD v4.1: 6 of 1,612,336 alleles (0.00037%); highest among the groups gnomAD compares: Non-Finnish European, 0.00051%; no homozygotes.

Submissions (4):

Labcorp Genetics (formerly Invitae), Labcorp
Classification: Uncertain significance for Long QT syndrome. Last evaluated: 2024-10-17. Review status: criteria provided, single submitter. Criteria: Invitae Variant Classification Sherloc (09022015). Collection method: clinical testing. Allele origin: germline.
Comment: This sequence change replaces asparagine, which is neutral and polar, with serine, which is neutral and polar, at codon 985 of the KCNH2 protein (p.Asn985Ser). The frequency data for this variant in the population databases is considered unreliable, as metrics indicate poor data quality at this position in the gnomAD database. This missense change has been observed in individual(s) with Brugada syndrome (PMID: 16043162). ClinVar contains an entry for this variant (Variation ID: 67456). An algorithm developed to predict the effect of missense changes on protein structure and function (PolyPhen-2) suggests that this variant is likely to be disruptive. Experimental studies are conflicting or provide insufficient evidence to determine the effect of this variant on KCNH2 function (PMID: 16043162). In summary, the available evidence is currently insufficient to determine the role of this variant in disease. Therefore, it has been classified as a Variant of Uncertain Significance.

All of Us Research Program, National Institutes of Health
Classification: Uncertain significance for Long QT syndrome. Last evaluated: 2023-09-09. Review status: criteria provided, single submitter. Criteria: ACMG Guidelines, 2015. Collection method: clinical testing. Allele origin: germline. Inheritance: Autosomal dominant inheritance. Observed: 1 variant allele, 1 heterozygote.
Comment: Variant of Uncertain Significance due to insufficient evidence: This missense variant replaces asparagine with serine at codon 985 of the KCNH2 protein. Computational prediction tools and conservation analyses are inconclusive regarding the impact of this variant on the protein function. Computational splicing tools suggest that this variant may not impact RNA splicing. An experimental study has shown that the variant does not significantly biophysical properties of the potassium channels, except for voltage-dependence of inactivation and current densities (PMID: 16043162). Clinical relevance of this observation is not clear. This variant has been reported in an individual affected with Brugada syndrome (PMID: 16043162). This variant has also been identified in 2/277014 chromosomes in the general population by the Genome Aggregation Database (gnomAD). Available evidence is insufficient to determine the role of this variant in disease conclusively.

This study involves interpretation of variants in research participants for the purpose of population health screening. Participant phenotype was not available at the time of variant classification. Additional details can be found in publication PMID: 35346344, PMCID: PMC8962531

Color Diagnostics, LLC DBA Color Health
Classification: Uncertain significance for Cardiac arrhythmia. Last evaluated: 2019-03-16. Review status: criteria provided, single submitter. Criteria: ACMG Guidelines, 2015. Collection method: clinical testing. Allele origin: germline.
Comment: Variant of Uncertain Significance due to insufficient evidence: This missense variant replaces asparagine with serine at codon 985 of the KCNH2 protein. Computational prediction tools and conservation analyses are inconclusive regarding the impact of this variant on the protein function. Computational splicing tools suggest that this variant may not impact RNA splicing. An experimental study has shown that the variant does not significantly biophysical properties of the potassium channels, except for voltage-dependence of inactivation and current densities (PMID: 16043162). Clinical relevance of this observation is not clear. This variant has been reported in an individual affected with Brugada syndrome (PMID: 16043162). This variant has also been identified in 2/277014 chromosomes in the general population by the Genome Aggregation Database (gnomAD). Available evidence is insufficient to determine the role of this variant in disease conclusively.

Cardiovascular Biomedical Research Unit, Royal Brompton & Harefield NHS Foundation Trust
No classification provided. Review status: no classification provided. Collection method: literature only. Allele origin: germline. Not counted in ClinVar's aggregate classification.
Comment: This variant has been reported in the following publications (PMID:16043162).

Literature cited by the submitters: PubMed 16043162 (cited by 3 submitters); PubMed 22581653 (cited by Cardiovascular Biomedical Research Unit, Royal Brompton & Harefield NHS Foundation Trust).